The following is an entry in ClinVar:

NM_004006.3(DMD):c.7517T>C (p.Ile2506Thr)

Gene: DMD (dystrophin; minus strand). Cytogenetic location: Xp21.1.
Variant type: single nucleotide variant.
Coding change: c.7517T>C on transcript NM_004006.3 (MANE Select); coding-DNA position 7517, T replaced by C.
Protein change: p.Ile2506Thr; replaces isoleucine 2506 with threonine.
Molecular consequence: missense variant.
Genome position (GRCh38, 1-based): chrX:31,773,985, A>G on the plus strand (T>C on the coding strand, the complement: DMD is on the minus strand). VCF-style: chrX-31773985-A-G. GRCh37 (hg19) VCF-style: chrX-31792102-A-G.
Other names: c.7505T>C, p.Ile2502Thr (NM_004009.3); c.7148T>C, p.Ile2383Thr (NM_004010.3); c.3494T>C, p.Ile1165Thr (NM_004011.4); c.3485T>C, p.Ile1162Thr (NM_004012.4); c.137T>C, p.Ile46Thr (NM_004013.3, NM_004020.4, NM_004021.3 and 2 more transcripts); c.7493T>C, p.Ile2498Thr (NM_000109.4); short protein forms I1162T, I1165T, I2383T, I2498T, I2502T, I2506T, I46T.
Identifiers: ClinVar variation 4538956 (VCV004538956.1).
Genomic context (GRCh38, chrX:31,773,985, plus strand): 5'-AAACTTCTGCCAACTTTTATCATTTTTTCTCATACCTTCTGCTTGATGATCATCTCGTTG[A>G]TATCCTCAAGGTCACCCACCATCACCCTCTGTGATTTTATAACTTGATCAAGCAGAGAAA-3'
Protein context (NP_003997.2, residues 2496-2516): QRVMVGDLED[Ile2506Thr]NEMIIKQKAT

ClinVar aggregate classification (germline): Uncertain significance (1 of 4 stars; one submission).

gnomAD v4.1: 1 of 1,208,551 alleles (0.000083%); highest among the groups gnomAD compares: South Asian, 0.0018%; no homozygotes.

Submission:

GeneDx
Classification: Uncertain significance. Last evaluated: 2025-06-21. Review status: criteria provided, single submitter. Criteria: GeneDx Variant Classification Process June 2021. Collection method: clinical testing. Allele origin: germline. Affected: yes.
Comment: Not observed at significant frequency in large population cohorts (gnomAD); In silico analysis supports that this missense variant has a deleterious effect on protein structure/function; Missense variant in a gene in which most reported pathogenic variants are truncating/loss of function; Has not been previously published as pathogenic or benign to our knowledge